The following is an entry in ClinVar:

NM_020832.3(ZNF687):c.2815C>G (p.Arg939Gly)

Gene: ZNF687 (zinc finger protein 687; plus strand). Cytogenetic location: 1q21.3.
Variant type: single nucleotide variant.
Coding change: c.2815C>G on transcript NM_020832.3 (MANE Select); coding-DNA position 2815, C replaced by G.
Protein change: p.Arg939Gly; replaces arginine 939 with glycine.
Molecular consequence: missense variant.
Genome position (GRCh38, 1-based): chr1:151,289,858, C>G. VCF-style: chr1-151289858-C-G. GRCh37 (hg19) VCF-style: chr1-151262334-C-G.
Other names: c.2815C>G, p.Arg939Gly (NM_001304763.2, NM_001304764.2); short protein forms R939G.
Identifiers: ClinVar variation 2077209 (VCV002077209.4), dbSNP rs754419008, ClinGen allele CA1088649.

ClinVar aggregate classification (germline): Uncertain significance (1 of 4 stars; one submission).

Allele frequency attached by ClinVar (database versions not stated): 1000 Genomes Project 30x 0.00016.

Submission:

Labcorp Genetics (formerly Invitae), Labcorp
Classification: Uncertain significance. Last evaluated: 2025-06-17. Review status: criteria provided, single submitter. Criteria: Invitae Variant Classification Sherloc (09022015). Collection method: clinical testing. Allele origin: germline.
Comment: This sequence change replaces arginine, which is basic and polar, with glycine, which is neutral and non-polar, at codon 939 of the ZNF687 protein (p.Arg939Gly). This variant is present in population databases (rs754419008, gnomAD 0.02%). This variant has not been reported in the literature in individuals affected with ZNF687-related conditions. ClinVar contains an entry for this variant (Variation ID: 2077209). An algorithm developed to predict the effect of missense changes on protein structure and function (PolyPhen-2) suggests that this variant is likely to be tolerated. In summary, the available evidence is currently insufficient to determine the role of this variant in disease. Therefore, it has been classified as a Variant of Uncertain Significance.